The following is an entry in ClinVar:

NM_002838.5(PTPRC):c.3570A>C (p.Glu1190Asp)

Gene: PTPRC (protein tyrosine phosphatase receptor type C; plus strand). Cytogenetic location: 1q32.1.
Variant type: single nucleotide variant.
Coding change: c.3570A>C on transcript NM_002838.5 (MANE Select); coding-DNA position 3570, A replaced by C.
Protein change: p.Glu1190Asp; replaces glutamic acid 1190 with aspartic acid.
Molecular consequence: missense variant.
Genome position (GRCh38, 1-based): chr1:198,754,329, A>C. VCF-style: chr1-198754329-A-C. GRCh37 (hg19) VCF-style: chr1-198723458-A-C.
Other names: c.3087A>C, p.Glu1029Asp (NM_080921.4); short protein forms E1029D, E1190D.
Identifiers: ClinVar variation 1509377 (VCV001509377.5), dbSNP rs115935364, ClinGen allele CA1315491.
Genomic context (GRCh38, chr1:198,754,329, plus strand): 5'-GGATGGATCTCAGCAAACGGGAATATTTTGTGCTTTGTTAAATCTCTTAGAAAGTGCGGA[A>C]ACAGAAGAGGTAGTGGATATTTTTCAAGTGGTAAAAGCTCTACGCAAAGCTAGGCCAGGC-3'
Protein context (NP_002829.3, residues 1180-1200): CALLNLLESA[Glu1190Asp]TEEVVDIFQV

ClinVar aggregate classification (germline): Uncertain significance (1 of 4 stars; one submission).

Conditions:
Immunodeficiency 104. Also called: Severe combined immunodeficiency, autosomal recessive, T cell-negative, B cell-positive, NK cell-positive; SCID, AUTOSOMAL RECESSIVE, T CELL-NEGATIVE, B CELL-POSITIVE, NK CELL-POSITIVE; Severe Combined Immune Deficiency, Autosomal Recessive, TCell -Negative, B Cell-Positive, NK Cell-Positive, IL7R-Related; IMMUNODEFICIENCY 104, SEVERE COMBINED. Identifiers: MedGen C5676890, MONDO:0012163, OMIM 608971.

Allele frequency attached by ClinVar (database versions not stated): TOPMed 0.00001; ExAC 0.00002; gnomAD 0.00002 and 0.00003; gnomAD exomes 0.00002 and 0.00007; 1000 Genomes Project 30x 0.00016; 1000 Genomes Project 0.00020.
gnomAD v4.1: 106 of 1,612,902 alleles (0.0066%); highest among the groups gnomAD compares: Non-Finnish European, 0.0089%; no homozygotes.

Submission:

Labcorp Genetics (formerly Invitae), Labcorp
Classification: Uncertain significance for Immunodeficiency 104. Last evaluated: 2021-08-31. Review status: criteria provided, single submitter. Criteria: Invitae Variant Classification Sherloc (09022015). Collection method: clinical testing. Allele origin: germline.
Comment: This sequence change replaces glutamic acid with aspartic acid at codon 1190 of the PTPRC protein (p.Glu1190Asp). The glutamic acid residue is highly conserved and there is a small physicochemical difference between glutamic acid and aspartic acid. This variant is present in population databases (rs115935364, ExAC 0.003%). This variant has not been reported in the literature in individuals affected with PTPRC-related conditions. Algorithms developed to predict the effect of missense changes on protein structure and function output the following: SIFT: "Deleterious"; PolyPhen-2: "Benign"; Align-GVGD: "Class C0". The aspartic acid amino acid residue is found in multiple mammalian species, which suggests that this missense change does not adversely affect protein function. In summary, the available evidence is currently insufficient to determine the role of this variant in disease. Therefore, it has been classified as a Variant of Uncertain Significance.